The following is an entry in ClinVar:

ClinVar aggregate classification (germline): Uncertain significance (1 of 4 stars; one submission).

Conditions:
CHARGE syndrome (CHARGE). Also called: Hittner Hirsch Kreh syndrome; CHARGE ASSOCIATION--COLOBOMA, HEART ANOMALY, CHOANAL ATRESIA, RETARDATION, GENITAL AND EAR ANOMALIES; Coloboma, heart anomaly, choanal atresia, retardation, genital and ear anomalies; CHARGE association; Hall-Hittner syndrome. Identifiers: Orphanet 138, MedGen C0265354, MONDO:0008965.

Submission:

Labcorp Genetics (formerly Invitae), Labcorp
Classification: Uncertain significance for CHARGE syndrome. Last evaluated: 2025-10-04. Review status: criteria provided, single submitter. Criteria: Invitae Variant Classification Sherloc (09022015). Collection method: clinical testing. Allele origin: germline.
Comment: This sequence change replaces tyrosine, which is neutral and polar, with cysteine, which is neutral and slightly polar, at codon 125 of the SEMA3E protein (p.Tyr125Cys). This variant is not present in population databases (gnomAD no frequency). This variant has not been reported in the literature in individuals affected with SEMA3E-related conditions. Invitae Evidence Modeling of protein sequence and biophysical properties (such as structural, functional, and spatial information, amino acid conservation, physicochemical variation, residue mobility, and thermodynamic stability) indicates that this missense variant is expected to disrupt SEMA3E protein function with a positive predictive value of 80%. In summary, the available evidence is currently insufficient to determine the role of this variant in disease. Therefore, it has been classified as a Variant of Uncertain Significance.

NM_012431.3(SEMA3E):c.374A>G (p.Tyr125Cys)

Gene: SEMA3E (semaphorin 3E; minus strand). Cytogenetic location: 7q21.11.
Variant type: single nucleotide variant.
Coding change: c.374A>G on transcript NM_012431.3 (MANE Select); coding-DNA position 374, A replaced by G.
Protein change: p.Tyr125Cys; replaces tyrosine 125 with cysteine.
Molecular consequence: missense variant.
Genome position (GRCh38, 1-based): chr7:83,466,564, T>C on the plus strand (A>G on the coding strand, the complement: SEMA3E is on the minus strand). VCF-style: chr7-83466564-T-C. GRCh37 (hg19) VCF-style: chr7-83095880-T-C.
Other names: c.194A>G, p.Tyr65Cys (NM_001178129.2); short protein forms Y125C, Y65C.
Identifiers: ClinVar variation 4752714 (VCV004752714.1).